The following is an entry in ClinVar:

ClinVar aggregate classification (germline): Uncertain significance (1 of 4 stars; one submission).

Submission:

Labcorp Genetics (formerly Invitae), Labcorp
Classification: Uncertain significance. Last evaluated: 2022-08-02. Review status: criteria provided, single submitter. Criteria: Invitae Variant Classification Sherloc (09022015). Collection method: clinical testing. Allele origin: germline.
Comment: This variant is not present in population databases (gnomAD no frequency). This sequence change replaces glutamine, which is neutral and polar, with lysine, which is basic and polar, at codon 1175 of the A2ML1 protein (p.Gln1175Lys). This variant has not been reported in the literature in individuals affected with A2ML1-related conditions. Algorithms developed to predict the effect of missense changes on protein structure and function (SIFT, PolyPhen-2, Align-GVGD) all suggest that this variant is likely to be tolerated. In summary, the available evidence is currently insufficient to determine the role of this variant in disease. Therefore, it has been classified as a Variant of Uncertain Significance.

NM_144670.6(A2ML1):c.3523C>A (p.Gln1175Lys)

Gene: A2ML1 (alpha-2-macroglobulin like 1; plus strand). Cytogenetic location: 12p13.31.
Variant type: single nucleotide variant.
Coding change: c.3523C>A on transcript NM_144670.6 (MANE Select); coding-DNA position 3523, C replaced by A.
Protein change: p.Gln1175Lys; replaces glutamine 1175 with lysine.
Molecular consequence: missense variant.
Genome position (GRCh38, 1-based): chr12:8,863,814, C>A. VCF-style: chr12-8863814-C-A. GRCh37 (hg19) VCF-style: chr12-9016410-C-A.
Other names: c.2050C>A, p.Gln684Lys (NM_001282424.3); short protein forms Q1175K, Q684K.
Identifiers: ClinVar variation 2175698 (VCV002175698.4), dbSNP rs1037613124, ClinGen allele CA383841782.